The following is an entry in ClinVar:

NM_139057.4(ADAMTS17):c.*99A>G

Gene: ADAMTS17 (ADAM metallopeptidase with thrombospondin type 1 motif 17; minus strand). Cytogenetic location: 15q26.3.
Variant type: single nucleotide variant.
Coding change: c.*99A>G on transcript NM_139057.4 (MANE Select); 99 bases downstream of the stop codon, A replaced by G.
Molecular consequence: 3 prime UTR variant.
Genome position (GRCh38, 1-based): chr15:99,974,303, T>C on the plus strand (A>G on the coding strand, the complement: ADAMTS17 is on the minus strand). VCF-style: chr15-99974303-T-C. GRCh37 (hg19) VCF-style: chr15-100514508-T-C.
Identifiers: ClinVar variation 885426 (VCV000885426.7), dbSNP rs58960452, ClinGen allele CA275486211.
Genomic context (GRCh38, chr15:99,974,303, plus strand): 5'-ACGGAAGCACTAATGGCAAACGCCAAGTCCACGCTCATGTTCTATGTAGTTGGATTCTTG[T>C]GGCAGCCGGGTGGGGGCGTGGCCACAAGGCTGGTAGGCTTGCGGGTGGGTGGGTTTCAGA-3'

ClinVar aggregate classification (germline): Benign. Review status: criteria provided, multiple submitters, no conflicts (2 of 4 stars). 3 submissions from 3 submitters: Benign (3). Last evaluated 2020-07-28.

Conditions:
Weill-Marchesani 4 syndrome, recessive. Also called: Weill-Marchesani syndrome 4. Identifiers: Orphanet 363992, MedGen C2750787, MONDO:0013176, OMIM 613195.

Allele frequency attached by ClinVar (database versions not stated): 1000 Genomes Project 0.06709; TOPMed 0.07041; 1000 Genomes Project 30x 0.07121.
gnomAD v4.1: 18,739 of 1,510,116 alleles (1.2%); highest among the groups gnomAD compares: African/African-American, 22%; 1,850 homozygotes.

Submissions (3):

GeneDx
Classification: Benign. Last evaluated: 2020-07-28. Review status: criteria provided, single submitter. Criteria: GeneDx Variant Classification Process June 2021. Collection method: clinical testing. Allele origin: germline. Affected: yes.

Illumina Laboratory Services, Illumina
Classification: Benign for Weill-Marchesani 4 syndrome, recessive. Last evaluated: 2018-01-13. Review status: criteria provided, single submitter. Criteria: ICSL Variant Classification Criteria 13 December 2019. Collection method: clinical testing. Allele origin: germline.
Comment: This variant was observed in the ICSL laboratory as part of a predisposition screen in an ostensibly healthy population. It had not been previously curated by ICSL or reported in the Human Gene Mutation Database (HGMD: prior to June 1st, 2018), and was therefore a candidate for classification through an automated scoring system. Utilizing variant allele frequency, disease prevalence and penetrance estimates, and inheritance mode, an automated score was calculated to assess if this variant is too frequent to cause the disease. Based on the score and internal cut-off values, a variant classified as benign is not then subjected to further curation. The score for this variant resulted in a classification of benign for this disease.

Breakthrough Genomics
Classification: Benign. Review status: criteria provided, single submitter. Criteria: ACMG Guidelines, 2015. Collection method: not provided. Allele origin: germline. Inheritance: Autosomal recessive inheritance. Affected: yes.